The following is an entry in ClinVar:

NM_018975.4(TERF2IP):c.97G>T (p.Val33Leu)

Gene: TERF2IP (TERF2 interacting protein; plus strand). Cytogenetic location: 16q23.1.
Variant type: single nucleotide variant.
Coding change: c.97G>T on transcript NM_018975.4 (MANE Select); coding-DNA position 97, G replaced by T.
Protein change: p.Val33Leu; replaces valine 33 with leucine.
Molecular consequence: missense variant. On other transcripts: non-coding transcript variant (1).
Genome position (GRCh38, 1-based): chr16:75,647,979, G>T. VCF-style: chr16-75647979-G-T. GRCh37 (hg19) VCF-style: chr16-75681877-G-T.
Other names: short protein forms V33L.
Identifiers: ClinVar variation 3604556 (VCV003604556.2).

ClinVar aggregate classification (germline): Uncertain significance (1 of 4 stars; one submission).

Submission:

Labcorp Genetics (formerly Invitae), Labcorp
Classification: Uncertain significance. Last evaluated: 2025-07-28. Review status: criteria provided, single submitter. Criteria: Invitae Variant Classification Sherloc (09022015). Collection method: clinical testing. Allele origin: germline.
Comment: This sequence change replaces valine, which is neutral and non-polar, with leucine, which is neutral and non-polar, at codon 33 of the TERF2IP protein (p.Val33Leu). This variant is not present in population databases (gnomAD no frequency). This variant has not been reported in the literature in individuals affected with TERF2IP-related conditions. ClinVar contains an entry for this variant (Variation ID: 3604556). An algorithm developed to predict the effect of missense changes on protein structure and function (PolyPhen-2) suggests that this variant is likely to be tolerated. In summary, the available evidence is currently insufficient to determine the role of this variant in disease. Therefore, it has been classified as a Variant of Uncertain Significance.